The following is an entry in ClinVar:

NM_001375524.1(TRRAP):c.2389C>G (p.Leu797Val)

Gene: TRRAP (transformation/transcription domain associated protein; plus strand). Cytogenetic location: 7q22.1.
Variant type: single nucleotide variant.
Coding change: c.2389C>G on transcript NM_001375524.1 (MANE Select); coding-DNA position 2389, C replaced by G.
Protein change: p.Leu797Val; replaces leucine 797 with valine.
Molecular consequence: missense variant.
Genome position (GRCh38, 1-based): chr7:98,917,446, C>G. VCF-style: chr7-98917446-C-G. GRCh37 (hg19) VCF-style: chr7-98515069-C-G.
Other names: c.2389C>G, p.Leu797Val (NM_001244580.2, NM_003496.4); short protein forms L797V.
Identifiers: ClinVar variation 3383875 (VCV003383875.1).

ClinVar aggregate classification (germline): Uncertain significance (1 of 4 stars; one submission).

Submission:

GeneDx
Classification: Uncertain significance. Last evaluated: 2024-05-30. Review status: criteria provided, single submitter. Criteria: GeneDx Variant Classification Process June 2021. Collection method: clinical testing. Allele origin: germline. Affected: yes.
Comment: Not observed at significant frequency in large population cohorts (gnomAD); In silico analysis indicates that this missense variant does not alter protein structure/function; Has not been previously published as pathogenic or benign to our knowledge